The following is an entry in ClinVar:

NM_001009999.3(KDM1A):c.104C>G (p.Ser35Cys)

Gene: KDM1A (lysine demethylase 1A; plus strand). Cytogenetic location: 1p36.12.
Variant type: single nucleotide variant.
Coding change: c.104C>G on transcript NM_001009999.3 (MANE Select); coding-DNA position 104, C replaced by G.
Protein change: p.Ser35Cys; replaces serine 35 with cysteine.
Molecular consequence: missense variant.
Genome position (GRCh38, 1-based): chr1:23,019,700, C>G. VCF-style: chr1-23019700-C-G. GRCh37 (hg19) VCF-style: chr1-23346193-C-G.
Other names: c.104C>G, p.Ser35Cys (NM_001363654.2, NM_001410762.1, NM_001410763.1 and 1 more transcripts); short protein forms S35C.
Identifiers: ClinVar variation 4858697 (VCV004858697.1).

ClinVar aggregate classification (germline): Uncertain significance (1 of 4 stars; one submission).

Conditions:
Inborn genetic diseases. Identifiers: MedGen C0950123, MeSH D030342.

gnomAD v4.1: 3 of 1,334,478 alleles (0.00022%); highest among the groups gnomAD compares: Non-Finnish European, 0.00029%; no homozygotes.

Submission:

Ambry Genetics
Classification: Uncertain significance for Inborn genetic diseases. Last evaluated: 2026-03-28. Review status: criteria provided, single submitter. Criteria: Ambry Variant Classification Scheme 2023. Collection method: clinical testing. Allele origin: germline.
Comment: The p.S35C variant (also known as c.104C>G), located in coding exon 1 of the KDM1A gene, results from a C to G substitution at nucleotide position 104. The serine at codon 35 is replaced by cysteine, an amino acid with dissimilar properties. This amino acid position is conserved. In addition, this alteration is predicted to be tolerated by in silico analysis. Based on the available evidence, the clinical significance of this variant remains unclear.